The following is an entry in ClinVar:

NM_001130987.2(DYSF):c.5504G>A (p.Arg1835Gln)

Gene: DYSF (dysferlin; plus strand). Cytogenetic location: 2p13.2.
Variant type: single nucleotide variant.
Coding change: c.5504G>A on transcript NM_001130987.2 (MANE Select); coding-DNA position 5504, G replaced by A.
Protein change: p.Arg1835Gln; replaces arginine 1835 with glutamine.
Molecular consequence: missense variant.
Genome position (GRCh38, 1-based): chr2:71,668,800, G>A. VCF-style: chr2-71668800-G-A. GRCh37 (hg19) VCF-style: chr2-71895930-G-A.
Other names: c.5390G>A, p.Arg1797Gln (NM_001130455.2); c.5345G>A, p.Arg1782Gln (NM_001130976.2); c.5408G>A, p.Arg1803Gln (NM_001130977.2); c.5450G>A, p.Arg1817Gln (NM_001130978.2); c.5480G>A, p.Arg1827Gln (NM_001130979.2); c.5438G>A, p.Arg1813Gln (NM_001130980.2); c.5501G>A, p.Arg1834Gln (NM_001130981.2); c.5483G>A, p.Arg1828Gln (NM_001130982.2); and 5 more; short protein forms R1796Q, R1835Q, R1797Q, R1834Q, R1782Q, R1813Q, R1817Q, R1783Q.
Identifiers: ClinVar variation 450764 (VCV000450764.12), dbSNP rs762675721, ClinGen allele CA1707404.

ClinVar aggregate classification (germline): Uncertain significance. Review status: criteria provided, multiple submitters, no conflicts (2 of 4 stars). 5 submissions from 5 submitters: Uncertain significance (4). 1 of the submissions does not count toward it. Last evaluated 2026-01-05.

Conditions:
Autosomal recessive limb-girdle muscular dystrophy. Identifiers: Orphanet 102015, MedGen C2931907, MONDO:0015152.
Neuromuscular disease caused by qualitative or quantitative defects of dysferlin. Also called: Dysferlinopathy; Qualitative or quantitative defects of dysferlin. Identifiers: Orphanet 207073, MedGen C2931687, MONDO:0016145.
Autosomal recessive limb-girdle muscular dystrophy type 2B (LGMDR2). Also called: MUSCULAR DYSTROPHY, LIMB-GIRDLE, TYPE 3; Limb-girdle muscular dystrophy, type 2B; MUSCULAR DYSTROPHY, LIMB-GIRDLE, AUTOSOMAL RECESSIVE 2; Limb-Girdle Muscular Dystrophy Type 2B (LGMD2B). Identifiers: Orphanet 268, MedGen C1850889, MONDO:0009676, OMIM 253601.

Allele frequency attached by ClinVar (database versions not stated): gnomAD below 0.00001 and 0.00001; TOPMed below 0.00001; gnomAD exomes 0.00001 and 0.00002; ExAC 0.00003.
gnomAD v4.1: 19 of 1,613,848 alleles (0.0012%); highest among the groups gnomAD compares: South Asian, 0.0044%; no homozygotes.

Submissions (5):

Myriad Genetics, Inc.
Classification: Uncertain significance for Autosomal recessive limb-girdle muscular dystrophy. Last evaluated: 2026-01-05. Review status: criteria provided, single submitter. Criteria: Myriad Autosomal Dominant, Autosomal Recessive and X-Linked Classification Criteria (2023). Collection method: clinical testing. Allele origin: unknown.
Comment: NM_003494.3(DYSF):c.5387G>A(R1796Q) is a missense variant classified as a variant of uncertain significance in the context of dysferlinopathy. R1796Q has been observed in a case with relevant disease (PMID: 39678382). Relevant functional assessments of this variant are not available in the literature. R1796Q has been observed in referenced population frequency databases. In summary, there is insufficient evidence to classify NM_003494.3(DYSF):c.5387G>A(R1796Q) as pathogenic or benign. Please note: this variant was assessed in the context of healthy population screening.

Labcorp Genetics (formerly Invitae), Labcorp
Classification: Uncertain significance for Neuromuscular disease caused by qualitative or quantitative defects of dysferlin. Last evaluated: 2022-07-06. Review status: criteria provided, single submitter. Criteria: Invitae Variant Classification Sherloc (09022015). Collection method: clinical testing. Allele origin: germline.
Comment: This sequence change replaces arginine, which is basic and polar, with glutamine, which is neutral and polar, at codon 1796 of the DYSF protein (p.Arg1796Gln). This variant is present in population databases (rs762675721, gnomAD 0.005%). This variant has not been reported in the literature in individuals affected with DYSF-related conditions. ClinVar contains an entry for this variant (Variation ID: 450764). Advanced modeling of protein sequence and biophysical properties (such as structural, functional, and spatial information, amino acid conservation, physicochemical variation, residue mobility, and thermodynamic stability) performed at Invitae indicates that this missense variant is not expected to disrupt DYSF protein function. In summary, the available evidence is currently insufficient to determine the role of this variant in disease. Therefore, it has been classified as a Variant of Uncertain Significance.

Revvity Omics, Revvity
Classification: Uncertain significance. Last evaluated: 2019-06-14. Review status: criteria provided, single submitter. Criteria: ACMG Guidelines, 2015. Collection method: clinical testing. Allele origin: germline.

GeneDx
Classification: Uncertain significance. Last evaluated: 2017-07-21. Review status: criteria provided, single submitter. Criteria: GeneDx Variant Classification (06012015). Collection method: clinical testing. Allele origin: germline. Affected: yes.
Comment: A variant of uncertain significance has been identified in the DYSF gene. The R1796Q variant has not been published as a pathogenic variant, nor has it been reported as a benign variant to our knowledge. The R1796Q variant is not observed at a significant frequency in large population cohorts (Lek et al., 2016; 1000 Genomes Consortium et al., 2015; Exome Variant Server). The R1796Q variant is a semi-conservative amino acid substitution, which may impact secondary protein structure as these residues differ in some properties. However, this substitution occurs at a position that is not conserved. In silico analysis is inconsistent in its predictions as to whether or not the variant is damaging to the protein structure/function. Therefore, based on the currently available information, it is unclear whether this variant is a pathogenic variant or a rare benign variant.

Natera, Inc.
Classification: Uncertain significance for Limb-girdle muscular dystrophy type 2B. Last evaluated: 2020-10-30. Review status: no assertion criteria provided. Collection method: clinical testing. Allele origin: germline. Not counted in ClinVar's aggregate classification.

Literature cited by the submitters: PubMed 39678382 (cited by Myriad Genetics, Inc.).